The following is an entry in ClinVar:

ClinVar aggregate classification (germline): Conflicting classifications of pathogenicity. Review status: criteria provided, conflicting classifications (1 of 4 stars). 2 submissions from 2 submitters: Uncertain significance (1); Likely benign (1). Last evaluated 2024-03-01.

Allele frequency attached by ClinVar (database versions not stated): gnomAD exomes 0.00003; TOPMed 0.00006.
gnomAD v4.1: 150 of 1,575,708 alleles (0.0095%); highest among the groups gnomAD compares: Non-Finnish European, 0.013%; no homozygotes.

Submissions (2):

Blueprint Genetics
Classification: Likely benign. Last evaluated: 2024-03-01. Review status: criteria provided, single submitter. Criteria: ACMG Guidelines, 2015. Collection method: clinical testing. Allele origin: germline.

GeneDx
Classification: Uncertain significance. Last evaluated: 2018-01-18. Review status: criteria provided, single submitter. Criteria: GeneDx Variant Classification (06012015). Collection method: clinical testing. Allele origin: germline. Affected: yes.
Comment: The c.-18 G>T variant has not been published as a pathogenic variant, nor has it been reported as a benign variant to our knowledge. The variant is not observed in large population cohorts (Lek et al., 2016). The nucleotide substitution occurs at a position that is conserved across species. However, to our knowledge, no regulatory pathogenic variants have been reported in the SPRED1 gene. Therefore, based on the currently available information, it is unclear whether this variant is a pathogenic variant or a rare benign variant.

NM_152594.3(SPRED1):c.-18G>T

Gene: SPRED1 (sprouty related EVH1 domain containing 1; plus strand). Cytogenetic location: 15q14.
Variant type: single nucleotide variant.
Coding change: c.-18G>T on transcript NM_152594.3 (MANE Select); 18 bases upstream of the start codon, G replaced by T.
Molecular consequence: 5 prime UTR variant.
Genome position (GRCh38, 1-based): chr15:38,253,168, G>T. VCF-style: chr15-38253168-G-T. GRCh37 (hg19) VCF-style: chr15-38545369-G-T.
Identifiers: ClinVar variation 504128 (VCV000504128.3), dbSNP rs755489788, ClinGen allele CA269282655.